The following is an entry in ClinVar:

ClinVar aggregate classification (germline): Uncertain significance (1 of 4 stars; one submission).

Submission:

GeneDx
Classification: Uncertain significance. Last evaluated: 2017-07-13. Review status: criteria provided, single submitter. Criteria: GeneDx Variant Classification (06012015). Collection method: clinical testing. Allele origin: germline. Affected: yes.
Comment: The c.5161-15_5161-3del13 variant has not been published as a pathogenic variant, nor has it been reported as a benign variant to our knowledge. The c.5161-15_5161-3del13 variant is not observed in large population cohorts (Lek et al., 2016; 1000 Genomes Consortium et al., 2015; Exome Variant Server). Several in-silico splice prediction models predict that c.5161-15_5161-3del13 may destroy the natural splice acceptor site of intron 40 and lead to abnormal gene splicing. However, in the absence of RNA/functional studies, the actual effect of this sequence change in this individual is unknown. Therefore, based on the currently available information, it is unclear whether this variant is a pathogenic variant or a rare benign variant.

NM_000548.5(TSC2):c.5161-15_5161-3del

Gene: TSC2 (TSC complex subunit 2; plus strand). Cytogenetic location: 16p13.3.
Variant type: Deletion.
Coding change: c.5161-15_5161-3del on transcript NM_000548.5 (MANE Select); 15 bases into the intron before coding-DNA position 5161 through 3 bases into the intron before coding-DNA position 5161, 13 bases deleted (TGCCTACGTCCCC).
Molecular consequence: intron variant.
Genome position (GRCh38, 1-based): chr16:2,088,212-2,088,224, TGCCTACGTCCCC deleted; deleting any 13 consecutive bases within chr16:2,088,208-2,088,224 gives the same sequence; the c. name uses the placement nearest the transcript's 3' end. VCF-style (leftmost placement, unchanged base first): chr16-2088207-CCCCCTGCCTACGT-C. GRCh37 (hg19) VCF-style: chr16-2138208-CCCCCTGCCTACGT-C.
Other names: c.5161-15_5161-3delTGCCTACGTCCCC (NM_000548.3); c.5092-15_5092-3del (NM_001114382.3); c.5032-15_5032-3del (NM_021055.3); c.5032-27_5032-15del (NM_001370405.1); c.4963-15_4963-3del (NM_001363528.2); c.5029-15_5029-3del (NM_001370404.1); c.4960-15_4960-3del (NM_001077183.3); c.4852-15_4852-3del (NM_001318827.2); and 3 more.
Identifiers: ClinVar variation 450483 (VCV000450483.2), dbSNP rs1555440326, ClinGen allele CA658656650.
Genomic context (GRCh38, chr16:2,088,207, plus strand): 5'-GGGGTGGGTCCAGGCGTGAGCTGGTGGGACAGGCCCAGGTGCCACCTGATAGTGAGCTCA[CCCCCTGCCTACGT>C]CCCCAGATGGCCTCACAGGTGCATCATAGCCGCTCCAACCCCACCGATATCTACCCCTCC-3'